The following is an entry in ClinVar:

NM_004656.4(BAP1):c.253C>T (p.Gln85Ter)

Gene: BAP1 (BRCA1 associated deubiquitinase 1; minus strand). Cytogenetic location: 3p21.1.
Variant type: single nucleotide variant.
Coding change: c.253C>T on transcript NM_004656.4 (MANE Select); coding-DNA position 253, C replaced by T.
Protein change: p.Gln85Ter; replaces glutamine 85 with a stop codon.
Molecular consequence: nonsense.
Genome position (GRCh38, 1-based): chr3:52,408,476, G>A on the plus strand (C>T on the coding strand, the complement: BAP1 is on the minus strand). VCF-style: chr3-52408476-G-A. GRCh37 (hg19) VCF-style: chr3-52442492-G-A.
Other names: NC_000003.11:g.52442492G>A; c.253C>T, p.Gln85Ter (NM_001410772.1); short protein forms Q85*.
Identifiers: ClinVar variation 3987105 (VCV003987105.2).

ClinVar aggregate classification (germline): Pathogenic (1 of 4 stars; one submission).

Conditions:
Hereditary cancer-predisposing syndrome. Also called: Tumor predisposition; Hereditary neoplastic syndrome; Neoplastic Syndromes, Hereditary; Hereditary Cancer Syndrome. Identifiers: Orphanet 140162, MedGen C0027672, MeSH D009386, MONDO:0015356.

Submissions (2):

Ambry Genetics
Classification: Pathogenic for Hereditary cancer-predisposing syndrome. Last evaluated: 2025-05-25. Review status: criteria provided, single submitter. Criteria: Ambry Variant Classification Scheme 2023. Collection method: clinical testing. Allele origin: germline.
Comment: The p.Q85* pathogenic mutation (also known as c.253C>T), located in coding exon 4 of the BAP1 gene, results from a C to T substitution at nucleotide position 253. This changes the amino acid from a glutamine to a stop codon within coding exon 4. This variant is considered to be rare based on population cohorts in the Genome Aggregation Database (gnomAD). This alteration is expected to result in loss of function by premature protein truncation or nonsense-mediated mRNA decay. As such, this alteration is interpreted as a disease-causing mutation.

Dr. Peter K. Rogan Lab, Western University
No classification provided (evidence only). Condition: Lung cancer. Review status: no classification provided. Collection method: in vitro. Allele origin: not applicable. Functional consequence: skipped exon. Not counted in ClinVar's aggregate classification.